The following is an entry in ClinVar:

ClinVar aggregate classification (germline): Uncertain significance. Review status: criteria provided, multiple submitters, no conflicts (2 of 4 stars). 2 submissions from 2 submitters: Uncertain significance (2). Last evaluated 2026-01-25.

Conditions:
HOXA4-related disorder. Also called: HOXA4-related condition.

Allele frequency attached by ClinVar (database versions not stated): ExAC 0.00002; TOPMed 0.00004; gnomAD 0.00007; gnomAD exomes 0.00008.
gnomAD v4.1: 126 of 1,613,840 alleles (0.0078%); highest among the groups gnomAD compares: Non-Finnish European, 0.01%; no homozygotes.

Submissions (2):

PreventionGenetics, part of Exact Sciences
Classification: Uncertain significance for HOXA4-related condition. Last evaluated: 2026-01-25. Review status: criteria provided, single submitter. Criteria: ACMG Guidelines, 2015. Collection method: clinical testing. Allele origin: germline.
Comment: The HOXA4 c.887A>G variant is predicted to result in the amino acid substitution p.Lys296Arg. To our knowledge, this variant has not been reported in the literature. This variant is reported in 0.011% of alleles in individuals of European (Non-Finnish) descent in gnomAD. At this time, the clinical significance of this variant is uncertain due to the absence of conclusive functional and genetic evidence.

Ambry Genetics
Classification: Uncertain significance. Last evaluated: 2022-12-21. Review status: criteria provided, single submitter. Criteria: Ambry Variant Classification Scheme 2023. Collection method: clinical testing. Allele origin: germline.

NM_002141.5(HOXA4):c.887A>G (p.Lys296Arg)

Genes: HOXA3 (homeobox A3; minus strand), HOXA4 (homeobox A4; minus strand). Cytogenetic location: 7p15.2.
Variant type: single nucleotide variant.
Coding change: c.887A>G on transcript NM_002141.5 (MANE Select); coding-DNA position 887, A replaced by G.
Protein change: p.Lys296Arg; replaces lysine 296 with arginine.
Molecular consequence: missense variant. On other transcripts: intron variant (7).
Genome position (GRCh38, 1-based): chr7:27,129,301, T>C on the plus strand (A>G on the coding strand, the complement: HOXA4 is on the minus strand). VCF-style: chr7-27129301-T-C. GRCh37 (hg19) VCF-style: chr7-27168920-T-C.
Other names: c.-389-2231A>G (NM_153631.3, NM_001384340.1); c.-505-2231A>G (NM_001384335.1, NM_001384339.1); c.-204-6659A>G (NM_001384336.1, NM_001384338.1); c.-677-2231A>G (NM_001384337.1); short protein forms K296R.
Identifiers: ClinVar variation 3106587 (VCV003106587.2), dbSNP rs776144758, ClinGen allele CA4196694.